The following is an entry in ClinVar:

NM_006944.3(SPP2):c.335C>T (p.Ser112Phe)

Gene: SPP2 (secreted phosphoprotein 2; plus strand). Cytogenetic location: 2q37.1.
Variant type: single nucleotide variant.
Coding change: c.335C>T on transcript NM_006944.3 (MANE Select); coding-DNA position 335, C replaced by T.
Protein change: p.Ser112Phe; replaces serine 112 with phenylalanine.
Molecular consequence: missense variant.
Genome position (GRCh38, 1-based): chr2:234,060,370, C>T. VCF-style: chr2-234060370-C-T. GRCh37 (hg19) VCF-style: chr2-234969014-C-T.
Other names: c.335C>T (NM_006944.2); short protein forms S112F.
Identifiers: ClinVar variation 2106008 (VCV002106008.5), dbSNP rs952488913, ClinGen allele CA67658886.

ClinVar aggregate classification (germline): Uncertain significance. Review status: criteria provided, multiple submitters, no conflicts (2 of 4 stars). 2 submissions from 2 submitters: Uncertain significance (2). Last evaluated 2025-04-13.

gnomAD v4.1: 1 of 1,613,194 alleles (0.000062%); highest among the groups gnomAD compares: Non-Finnish European, 0.000085%; no homozygotes.

Submissions (2):

Ambry Genetics
Classification: Uncertain significance. Last evaluated: 2025-04-13. Review status: criteria provided, single submitter. Criteria: Ambry Variant Classification Scheme 2023. Collection method: clinical testing. Allele origin: germline.

Labcorp Genetics (formerly Invitae), Labcorp
Classification: Uncertain significance. Last evaluated: 2024-02-12. Review status: criteria provided, single submitter. Criteria: Invitae Variant Classification Sherloc (09022015). Collection method: clinical testing. Allele origin: germline.
Comment: This sequence change replaces serine, which is neutral and polar, with phenylalanine, which is neutral and non-polar, at codon 112 of the SPP2 protein (p.Ser112Phe). This variant is not present in population databases (gnomAD no frequency). This variant has not been reported in the literature in individuals affected with SPP2-related conditions. ClinVar contains an entry for this variant (Variation ID: 2106008). An algorithm developed to predict the effect of missense changes on protein structure and function (PolyPhen-2) suggests that this variant is likely to be tolerated. In summary, the available evidence is currently insufficient to determine the role of this variant in disease. Therefore, it has been classified as a Variant of Uncertain Significance.